The following is an entry in ClinVar:

NM_024757.5(EHMT1):c.2324C>G (p.Ser775Cys)

Gene: EHMT1 (euchromatic histone lysine methyltransferase 1; plus strand). Cytogenetic location: 9q34.3.
Variant type: single nucleotide variant.
Coding change: c.2324C>G on transcript NM_024757.5 (MANE Select); coding-DNA position 2324, C replaced by G.
Protein change: p.Ser775Cys; replaces serine 775 with cysteine.
Molecular consequence: missense variant.
Genome position (GRCh38, 1-based): chr9:137,782,339, C>G. VCF-style: chr9-137782339-C-G. GRCh37 (hg19) VCF-style: chr9-140676791-C-G.
Other names: c.2324C>G, p.Ser775Cys (NM_001145527.2); c.2231C>G, p.Ser744Cys (NM_001354259.2); c.2303C>G, p.Ser768Cys (NM_001354263.2); short protein forms S744C, S768C, S775C.
Identifiers: ClinVar variation 2730982 (VCV002730982.3), dbSNP rs762246424, ClinGen allele CA5374896.

ClinVar aggregate classification (germline): Uncertain significance (1 of 4 stars; one submission).

Conditions:
Kleefstra syndrome 1 (KLEFS1). Identifiers: Orphanet 261494, MedGen C0795833, MONDO:0027407, OMIM 610253.

Allele frequency attached by ClinVar (database versions not stated): ExAC 0.00001.

Submission:

Labcorp Genetics (formerly Invitae), Labcorp
Classification: Uncertain significance for Kleefstra syndrome 1. Last evaluated: 2023-04-22. Review status: criteria provided, single submitter. Criteria: Invitae Variant Classification Sherloc (09022015). Collection method: clinical testing. Allele origin: germline.
Comment: This sequence change replaces serine, which is neutral and polar, with cysteine, which is neutral and slightly polar, at codon 775 of the EHMT1 protein (p.Ser775Cys). This variant is present in population databases (rs762246424, gnomAD 0.0009%). This variant has not been reported in the literature in individuals affected with EHMT1-related conditions. Advanced modeling of protein sequence and biophysical properties (such as structural, functional, and spatial information, amino acid conservation, physicochemical variation, residue mobility, and thermodynamic stability) performed at Invitae indicates that this missense variant is not expected to disrupt EHMT1 protein function. In summary, the available evidence is currently insufficient to determine the role of this variant in disease. Therefore, it has been classified as a Variant of Uncertain Significance.